The following is an entry in ClinVar:

NM_052947.4(ALPK2):c.206T>C (p.Ile69Thr)

Gene: ALPK2 (alpha kinase 2; minus strand). Cytogenetic location: 18q21.32.
Variant type: single nucleotide variant.
Coding change: c.206T>C on transcript NM_052947.4 (MANE Select); coding-DNA position 206, T replaced by C.
Protein change: p.Ile69Thr; replaces isoleucine 69 with threonine.
Molecular consequence: missense variant.
Genome position (GRCh38, 1-based): chr18:58,607,343, A>G on the plus strand (T>C on the coding strand, the complement: ALPK2 is on the minus strand). VCF-style: chr18-58607343-A-G. GRCh37 (hg19) VCF-style: chr18-56274575-A-G.
Other names: short protein forms I69T.
Identifiers: ClinVar variation 1785365 (VCV001785365.2), dbSNP rs2052103278, ClinGen allele CA402555769.

ClinVar aggregate classification (germline): Uncertain significance (1 of 4 stars; one submission).

Allele frequency attached by ClinVar (database versions not stated): TOPMed 0.00001; gnomAD 0.00002.
gnomAD v4.1: 3 of 1,612,914 alleles (0.00019%); highest among the groups gnomAD compares: African/African-American, 0.004%; 1 homozygote.

Submission:

Ambry Genetics
Classification: Uncertain significance. Last evaluated: 2022-03-30. Review status: criteria provided, single submitter. Criteria: Ambry Variant Classification Scheme 2023. Collection method: clinical testing. Allele origin: germline.
Comment: The p.I69T variant (also known as c.206T>C), located in coding exon 2 of the ALPK2 gene, results from a T to C substitution at nucleotide position 206. The isoleucine at codon 69 is replaced by threonine, an amino acid with similar properties. This amino acid position is conserved. In addition, this alteration is predicted to be tolerated by in silico analysis. Since supporting evidence is limited at this time, the clinical significance of this alteration remains unclear.